The following is an entry in ClinVar:

ClinVar aggregate classification (germline): Uncertain significance (1 of 4 stars; one submission).

Conditions:
Cohen syndrome (COH1). Also called: PEPPER SYNDROME; Cutis verticis gyrata, retinitis pigmentosa, and sensorineural deafness. Identifiers: Orphanet 193, MedGen C0265223, MONDO:0008999, OMIM 216550.

Submission:

Labcorp Genetics (formerly Invitae), Labcorp
Classification: Uncertain significance for Cohen syndrome. Last evaluated: 2021-07-30. Review status: criteria provided, single submitter. Criteria: Invitae Variant Classification Sherloc (09022015). Collection method: clinical testing. Allele origin: germline.
Comment: This variant is not present in population databases (ExAC no frequency). This sequence change replaces isoleucine with valine at codon 636 of the VPS13B protein (p.Ile636Val). The isoleucine residue is weakly conserved and there is a small physicochemical difference between isoleucine and valine. This variant has not been reported in the literature in individuals affected with VPS13B-related conditions. In summary, the available evidence is currently insufficient to determine the role of this variant in disease. Therefore, it has been classified as a Variant of Uncertain Significance. Algorithms developed to predict the effect of missense changes on protein structure and function are either unavailable or do not agree on the potential impact of this missense change (SIFT: "Not Available"; PolyPhen-2: "Possibly Damaging"; Align-GVGD: "Not Available").

NM_152564.5(VPS13B):c.1906A>G (p.Ile636Val)

Gene: VPS13B (vacuolar protein sorting 13 homolog B; plus strand). Cytogenetic location: 8q22.2.
Variant type: single nucleotide variant.
Coding change: c.1906A>G on transcript NM_152564.5 (MANE Select); coding-DNA position 1906, A replaced by G.
Protein change: p.Ile636Val; replaces isoleucine 636 with valine.
Molecular consequence: missense variant.
Genome position (GRCh38, 1-based): chr8:99,147,903, A>G. VCF-style: chr8-99147903-A-G. GRCh37 (hg19) VCF-style: chr8-100160131-A-G.
Other names: c.1906A>G, p.Ile636Val (NM_015243.3, NM_017890.5); short protein forms I636V.
Identifiers: ClinVar variation 1414334 (VCV001414334.6), dbSNP rs2132596795, ClinGen allele CA371864363.